The following is an entry in ClinVar:

ClinVar aggregate classification (germline): Uncertain significance. Review status: criteria provided, single submitter (1 of 4 stars). 2 submissions from 2 submitters: Uncertain significance (1). 1 of the submissions does not count toward it. Last evaluated 2024-10-18.

Conditions:
Duchenne muscular dystrophy (DMD). Also called: Duchenne Muscular Dystrophy (DMD); MUSCULAR DYSTROPHY, PSEUDOHYPERTROPHIC PROGRESSIVE, DUCHENNE TYPE. Identifiers: Orphanet 98896, MedGen C0013264, MONDO:0010679, OMIM 310200.
Dystrophin deficiency.
Becker muscular dystrophy (BMD). Also called: MUSCULAR DYSTROPHY, PSEUDOHYPERTROPHIC PROGRESSIVE, BECKER TYPE; Becker Muscular Dystrophy (BMD). Identifiers: Orphanet 98895, MedGen C0917713, MONDO:0010311, OMIM 300376.
Cardiomyopathy (CMYO). Also called: Cardiomyopathies. Identifiers: Orphanet 167848, MedGen C0878544, MONDO:0004994, HP:0001638. Inheritance: Various modes of inheritance.

Allele frequency attached by ClinVar (database versions not stated): gnomAD exomes below 0.00001.
gnomAD v4.1: 5 of 1,202,532 alleles (0.00042%); highest among the groups gnomAD compares: Non-Finnish European, 0.00056%; no homozygotes.

Submissions (2):

Labcorp Genetics (formerly Invitae), Labcorp
Classification: Uncertain significance for Duchenne muscular dystrophy. Last evaluated: 2024-10-18. Review status: criteria provided, single submitter. Criteria: Invitae Variant Classification Sherloc (09022015). Collection method: clinical testing. Allele origin: germline.
Comment: This sequence change replaces valine, which is neutral and non-polar, with aspartic acid, which is acidic and polar, at codon 505 of the DMD protein (p.Val505Asp). This variant is not present in population databases (gnomAD no frequency). This missense change has been observed in individual(s) with Duchenne and Becker muscular dystrophies (PMID: 24300647). This variant is also known as c.1554T>A. ClinVar contains an entry for this variant (Variation ID: 861147). Invitae Evidence Modeling of protein sequence and biophysical properties (such as structural, functional, and spatial information, amino acid conservation, physicochemical variation, residue mobility, and thermodynamic stability) indicates that this missense variant is not expected to disrupt DMD protein function with a negative predictive value of 95%. In summary, the available evidence is currently insufficient to determine the role of this variant in disease. Therefore, it has been classified as a Variant of Uncertain Significance.

Natera, Inc.
Classification: Uncertain significance for Becker muscular dystrophy; Cardiomyopathy; Duchenne muscular dystrophy; Dystrophin deficiency. Last evaluated: 2020-10-12. Review status: no assertion criteria provided. Collection method: clinical testing. Allele origin: germline. Not counted in ClinVar's aggregate classification.

Literature cited by the submitters: PubMed 24300647 (cited by Labcorp Genetics (formerly Invitae), Labcorp).

NM_004006.3(DMD):c.1514T>A (p.Val505Asp)

Gene: DMD (dystrophin; minus strand). Cytogenetic location: Xp21.1.
Variant type: single nucleotide variant.
Coding change: c.1514T>A on transcript NM_004006.3 (MANE Select); coding-DNA position 1514, T replaced by A.
Protein change: p.Val505Asp; replaces valine 505 with aspartic acid.
Molecular consequence: missense variant.
Genome position (GRCh38, 1-based): chrX:32,595,845, A>T on the plus strand (T>A on the coding strand, the complement: DMD is on the minus strand). VCF-style: chrX-32595845-A-T. GRCh37 (hg19) VCF-style: chrX-32613962-A-T.
Other names: c.1490T>A, p.Val497Asp (NM_000109.4); c.1502T>A, p.Val501Asp (NM_004009.3); c.1145T>A, p.Val382Asp (NM_004010.3); short protein forms V382D, V497D, V501D, V505D.
Identifiers: ClinVar variation 861147 (VCV000861147.9), dbSNP rs2055459221, ClinGen allele CA412665652.